The following is an entry in ClinVar:

NM_003801.4(GPAA1):c.1006G>C (p.Gly336Arg)

Gene: GPAA1 (glycosylphosphatidylinositol anchor attachment 1; plus strand). Cytogenetic location: 8q24.3.
Variant type: single nucleotide variant.
Coding change: c.1006G>C on transcript NM_003801.4 (MANE Select); coding-DNA position 1006, G replaced by C.
Protein change: p.Gly336Arg; replaces glycine 336 with arginine.
Molecular consequence: missense variant.
Genome position (GRCh38, 1-based): chr8:144,084,605, G>C. VCF-style: chr8-144084605-G-C. GRCh37 (hg19) VCF-style: chr8-145139508-G-C.
Other names: short protein forms G336R.
Identifiers: ClinVar variation 1426412 (VCV001426412.7), dbSNP rs2129944433, ClinGen allele CA372500018.

ClinVar aggregate classification (germline): Uncertain significance (1 of 4 stars; one submission).

Submission:

Labcorp Genetics (formerly Invitae), Labcorp
Classification: Uncertain significance. Last evaluated: 2022-02-10. Review status: criteria provided, single submitter. Criteria: Invitae Variant Classification Sherloc (09022015). Collection method: clinical testing. Allele origin: germline.
Comment: In summary, the available evidence is currently insufficient to determine the role of this variant in disease. Therefore, it has been classified as a Variant of Uncertain Significance. This sequence change replaces glycine, which is neutral and non-polar, with arginine, which is basic and polar, at codon 336 of the GPAA1 protein (p.Gly336Arg). This variant is not present in population databases (gnomAD no frequency). This variant has not been reported in the literature in individuals affected with GPAA1-related conditions. Algorithms developed to predict the effect of missense changes on protein structure and function are either unavailable or do not agree on the potential impact of this missense change (SIFT: "Tolerated"; PolyPhen-2: "Probably Damaging"; Align-GVGD: "Class C0").